The following is an entry in ClinVar:

ClinVar aggregate classification (germline): Uncertain significance (1 of 4 stars; one submission).

Conditions:
Aortic aneurysm, familial thoracic 4 (AAT4). Also called: AORTIC ANEURYSM/AORTIC DISSECTION AND PATENT DUCTUS ARTERIOSUS. Identifiers: MedGen C1851504, MONDO:0007568, OMIM 132900.

Allele frequency attached by ClinVar (database versions not stated): gnomAD exomes below 0.00001; ExAC 0.00001.
gnomAD v4.1: 1 of 1,614,138 alleles (0.000062%); highest among the groups gnomAD compares: Non-Finnish European, 0.000085%; no homozygotes.

Submission:

Labcorp Genetics (formerly Invitae), Labcorp
Classification: Uncertain significance for Aortic aneurysm, familial thoracic 4. Last evaluated: 2024-01-03. Review status: criteria provided, single submitter. Criteria: Invitae Variant Classification Sherloc (09022015). Collection method: clinical testing. Allele origin: germline.
Comment: This sequence change replaces arginine, which is basic and polar, with glutamine, which is neutral and polar, at codon 837 of the MYH11 protein (p.Arg837Gln). This variant is present in population databases (rs779428674, gnomAD 0.0009%). This variant has not been reported in the literature in individuals affected with MYH11-related conditions. Advanced modeling of protein sequence and biophysical properties (such as structural, functional, and spatial information, amino acid conservation, physicochemical variation, residue mobility, and thermodynamic stability) performed at Invitae indicates that this missense variant is not expected to disrupt MYH11 protein function with a negative predictive value of 95%. In summary, the available evidence is currently insufficient to determine the role of this variant in disease. Therefore, it has been classified as a Variant of Uncertain Significance.

NM_002474.3(MYH11):c.2489G>A (p.Arg830Gln)

Gene: MYH11 (myosin heavy chain 11; minus strand). Cytogenetic location: 16p13.11.
Variant type: single nucleotide variant.
Coding change: c.2489G>A on transcript NM_002474.3 (MANE Select); coding-DNA position 2489, G replaced by A.
Protein change: p.Arg830Gln; replaces arginine 830 with glutamine.
Molecular consequence: missense variant.
Genome position (GRCh38, 1-based): chr16:15,745,160, C>T on the plus strand (G>A on the coding strand, the complement: MYH11 is on the minus strand). VCF-style: chr16-15745160-C-T. GRCh37 (hg19) VCF-style: chr16-15839017-C-T.
Other names: c.2510G>A, p.Arg837Gln (NM_001040114.2, NM_001040113.2); c.2489G>A, p.Arg830Gln (NM_022844.3); short protein forms R837Q, R830Q.
Identifiers: ClinVar variation 2810486 (VCV002810486.3), dbSNP rs779428674, ClinGen allele CA7922257.